The following is an entry in ClinVar:

ClinVar aggregate classification (germline): Pathogenic. Review status: criteria provided, multiple submitters, no conflicts (2 of 4 stars). 2 submissions from 2 submitters: Pathogenic (2). Last evaluated 2021-11-24.

Conditions:
Long QT syndrome (LQTS). Identifiers: MedGen C0023976, MeSH D008133, MONDO:0002442. Disease mechanism: loss of function. Inheritance: Various modes of inheritance.
Long QT syndrome 2 (LQT2). Identifiers: MONDO:0013367, OMIM 613688, Orphanet 101016, Orphanet 768, MedGen C3150943.

Submissions (2):

Labcorp Genetics (formerly Invitae), Labcorp
Classification: Pathogenic for Long QT syndrome. Last evaluated: 2021-11-24. Review status: criteria provided, single submitter. Criteria: Invitae Variant Classification Sherloc (09022015). Collection method: clinical testing. Allele origin: germline.
Comment: ClinVar contains an entry for this variant (Variation ID: 692259). This premature translational stop signal has been observed in individual(s) with clinical features of long QT syndrome (Invitae). This variant is not present in population databases (gnomAD no frequency). This sequence change creates a premature translational stop signal (p.Gly873Argfs*47) in the KCNH2 gene. It is expected to result in an absent or disrupted protein product. Loss-of-function variants in KCNH2 are known to be pathogenic (PMID: 10973849, 19862833). For these reasons, this variant has been classified as Pathogenic.

MVZ Martinsried, Medicover Genetics
Classification: Pathogenic for Long QT syndrome 2. Last evaluated: 2019-02-11. Review status: criteria provided, single submitter. Criteria: ACMG Guidelines, 2015. Collection method: clinical testing. Allele origin: unknown. Affected: yes.

Literature cited by the submitters: PubMed 10973849 (cited by Labcorp Genetics (formerly Invitae), Labcorp); PubMed 19862833 (cited by Labcorp Genetics (formerly Invitae), Labcorp).

NM_000238.4(KCNH2):c.2616dup (p.Gly873fs)

Gene: KCNH2 (potassium voltage-gated channel subfamily H member 2; minus strand). Cytogenetic location: 7q36.1.
Variant type: Duplication.
Coding change: c.2616dup on transcript NM_000238.4 (MANE Select); coding-DNA position 2616, one base duplicated (C; older notation c.2616dupC).
Protein change: p.Gly873fs; shifts the reading frame from glycine 873.
Molecular consequence: frameshift variant.
Genome position (GRCh38, 1-based): chr7:150,948,520, G duplicated on the plus strand (C on the coding strand, the reverse complement: KCNH2 is on the minus strand); the first of 5 consecutive G bases (chr7:150,948,520-150,948,524); duplicating any one gives the same sequence. VCF-style (leftmost placement, unchanged base first): chr7-150948519-C-CG. GRCh37 (hg19) VCF-style: chr7-150645607-C-CG.
Other names: c.1596dup, p.Gly533fs (NM_172057.3); short protein forms G533fs, G873fs.
Identifiers: ClinVar variation 692259 (VCV000692259.7), dbSNP rs1584847173, ClinGen allele CA915945572.
Genomic context (GRCh38, chr7:150,948,519, plus strand): 5'-TGCGGAAGGACAACTTGCGCTTGCGTTGCCGACTGAAGCCACCCTCTAACTCCGTACTGC[C>CG]GGGGGAGCCCGGGATCATGTTGGTCTGGAACCAAAATCAGTATCAGGGCCCTTTCAGTGC-3'